The following is an entry in ClinVar:

NM_022829.6(SLC13A3):c.207C>G (p.Leu69=)

Gene: SLC13A3 (solute carrier family 13 member 3; minus strand). Cytogenetic location: 20q13.12.
Variant type: single nucleotide variant.
Coding change: c.207C>G on transcript NM_022829.6 (MANE Select); coding-DNA position 207, C replaced by G.
Protein change: p.Leu69=; no amino-acid change (leucine 69 retained).
Molecular consequence: synonymous variant. On other transcripts: intron variant (1).
Genome position (GRCh38, 1-based): chr20:46,613,630, G>C on the plus strand (C>G on the coding strand, the complement: SLC13A3 is on the minus strand). VCF-style: chr20-46613630-G-C. GRCh37 (hg19) VCF-style: chr20-45242269-G-C.
Other names: c.66C>G, p.Leu22= (NM_001011554.3, NM_001193340.2); c.207C>G, p.Leu69= (NM_001193339.2); c.-10-78C>G (NM_001193342.2); c.207C>G (NM_022829.5).
Identifiers: ClinVar variation 1169472 (VCV001169472.14), dbSNP rs2273024, ClinGen allele CA9891689.

ClinVar aggregate classification (germline): Benign. Review status: criteria provided, multiple submitters, no conflicts (2 of 4 stars). 4 submissions from 4 submitters: Benign (3). 1 of the submissions does not count toward it. Last evaluated 2026-02-03.

Conditions:
Leukoencephalopathy, acute reversible, with increased urinary alpha-ketoglutarate. Identifiers: Orphanet 615964, MedGen C5193068, MONDO:0032716, OMIM 618384.
SLC13A3-related disorder. Also called: SLC13A3-related condition.

Allele frequency attached by ClinVar (database versions not stated): TOPMed 0.30217; gnomAD 0.30359 and 0.30819; 1000 Genomes Project 30x 0.30856; 1000 Genomes Project 0.30911; gnomAD exomes 0.33802 and 0.33828; ExAC 0.34664; ESP Exome Variant Server 0.29832.
gnomAD v4.1: 540,577 of 1,610,544 alleles (34%); highest among the groups gnomAD compares: Middle Eastern, 44%; 92,184 homozygotes.

Submissions (4):

Labcorp Genetics (formerly Invitae), Labcorp
Classification: Benign. Last evaluated: 2026-02-03. Review status: criteria provided, single submitter. Criteria: Invitae Variant Classification Sherloc (09022015). Collection method: clinical testing. Allele origin: germline.

Genome-Nilou Lab
Classification: Benign for Leukoencephalopathy, acute reversible, with increased urinary alpha-ketoglutarate. Last evaluated: 2021-07-15. Review status: criteria provided, single submitter. Criteria: ACMG Guidelines, 2015. Collection method: clinical testing. Allele origin: germline. Affected: no.

Breakthrough Genomics
Classification: Benign. Review status: criteria provided, single submitter. Criteria: ACMG Guidelines, 2015. Collection method: not provided. Allele origin: germline. Inheritance: Autosomal recessive inheritance. Affected: yes.

PreventionGenetics, part of Exact Sciences
Classification: Benign for SLC13A3-related condition. Last evaluated: 2019-10-31. Review status: no assertion criteria provided. Collection method: clinical testing. Allele origin: germline. Not counted in ClinVar's aggregate classification.
Comment: This variant is classified as benign based on ACMG/AMP sequence variant interpretation guidelines (Richards et al. 2015 PMID: 25741868, with internal and published modifications).